The following is an entry in ClinVar:

ClinVar aggregate classification (germline): Uncertain significance (1 of 4 stars; one submission).

Conditions:
Familial adenomatous polyposis 2. Also called: COLORECTAL ADENOMATOUS POLYPOSIS, AUTOSOMAL RECESSIVE; ADENOMAS, MULTIPLE COLORECTAL, AUTOSOMAL RECESSIVE; MUTYH-associated polyposis; FAP type 2; MUTYH-related attenuated familial adenomatous polyposis; Adenomas, multiple colorectal. Identifiers: Orphanet 220460, Orphanet 247798, MedGen C3272841, MONDO:0012041, OMIM 608456.

Submission:

Labcorp Genetics (formerly Invitae), Labcorp
Classification: Uncertain significance for Familial adenomatous polyposis 2. Last evaluated: 2021-03-01. Review status: criteria provided, single submitter. Criteria: Invitae Variant Classification Sherloc (09022015). Collection method: clinical testing. Allele origin: germline.
Comment: This variant has not been reported in the literature in individuals with MUTYH-related conditions. ClinVar contains an entry for this variant (Variation ID: 464675). This sequence change replaces alanine with serine at codon 373 of the MUTYH protein (p.Ala373Ser). The alanine residue is highly conserved and there is a moderate physicochemical difference between alanine and serine. This variant is not present in population databases (ExAC no frequency). Algorithms developed to predict the effect of missense changes on protein structure and function are either unavailable or do not agree on the potential impact of this missense change (SIFT: "Tolerated"; PolyPhen-2: "Probably Damaging"; Align-GVGD: "Class C15"). In summary, the available evidence is currently insufficient to determine the role of this variant in disease. Therefore, it has been classified as a Variant of Uncertain Significance.

NM_001048174.2(MUTYH):c.1033G>T (p.Ala345Ser)

Gene: MUTYH (mutY DNA glycosylase; minus strand). Cytogenetic location: 1p34.1.
Variant type: single nucleotide variant.
Coding change: c.1033G>T on transcript NM_001048174.2 (MANE Select); coding-DNA position 1033, G replaced by T.
Protein change: p.Ala345Ser; replaces alanine 345 with serine.
Molecular consequence: missense variant. On other transcripts: non-coding transcript variant (2).
Genome position (GRCh38, 1-based): chr1:45,331,730, C>A on the plus strand (G>T on the coding strand, the complement: MUTYH is on the minus strand). VCF-style: chr1-45331730-C-A. GRCh37 (hg19) VCF-style: chr1-45797402-C-A.
Other names: c.1033G>T, p.Ala345Ser (NM_001048171.2, NM_001048173.2, NM_001293195.2); c.1036G>T, p.Ala346Ser (NM_001048172.2); c.1117G>T, p.Ala373Ser (NM_001128425.2); c.1078G>T, p.Ala360Ser (NM_001293190.2); c.1066G>T, p.Ala356Ser (NM_001293191.2); c.757G>T, p.Ala253Ser (NM_001293192.2, NM_001293196.2); c.688G>T, p.Ala230Ser (NM_001350650.2, NM_001350651.2); c.1108G>T, p.Ala370Ser (NM_012222.3); short protein forms A373S, A230S, A253S, A345S, A346S, A360S, A356S, A370S.
Identifiers: ClinVar variation 464675 (VCV000464675.8), dbSNP rs1553126489, ClinGen allele CA340133501.